The following is an entry in ClinVar:

ClinVar aggregate classification (germline): Uncertain significance (1 of 4 stars; one submission).

Conditions:
Hereditary cancer-predisposing syndrome. Also called: Neoplastic Syndromes, Hereditary; Tumor predisposition; Hereditary Cancer Syndrome; Hereditary neoplastic syndrome. Identifiers: Orphanet 140162, MedGen C0027672, MeSH D009386, MONDO:0015356.

Allele frequency attached by ClinVar (database versions not stated): gnomAD exomes below 0.00001.

Submission:

Ambry Genetics
Classification: Uncertain significance for Hereditary cancer-predisposing syndrome. Last evaluated: 2024-11-11. Review status: criteria provided, single submitter. Criteria: Ambry Variant Classification Scheme 2023. Collection method: clinical testing. Allele origin: germline.
Comment: The c.-1A>C variant is located in the 5' untranslated region (5&rsquo; UTR) of the BMPR1A gene. This variant results from an A to C substitution 1 bases upstream from the first translated codon. This nucleotide position is well conserved in available vertebrate species. Based on the available evidence, the clinical significance of this variant remains unclear.

NM_004329.3(BMPR1A):c.-1A>C

Gene: BMPR1A (bone morphogenetic protein receptor type 1A; plus strand). Cytogenetic location: 10q23.2.
Variant type: single nucleotide variant.
Coding change: c.-1A>C on transcript NM_004329.3 (MANE Select); 1 bases upstream of the start codon, A replaced by C.
Molecular consequence: 5 prime UTR variant. On other transcripts: non-coding transcript variant (3), intron variant (4).
Genome position (GRCh38, 1-based): chr10:86,876,018, A>C. VCF-style: chr10-86876018-A-C. GRCh37 (hg19) VCF-style: chr10-88635775-A-C.
Other names: c.-1A>C (NM_001406559.1, NM_001406560.1, NM_001406561.1 and 23 more transcripts); c.-80A>C (NM_001406588.1); c.-17-14044A>C (NM_001406584.1, NM_001406587.1, NM_001406585.1); c.-12-14049A>C (NM_001406586.1).
Identifiers: ClinVar variation 820478 (VCV000820478.5), dbSNP rs1159402588, ClinGen allele CA595055556.